The following is an entry in ClinVar:

ClinVar aggregate classification (germline): Uncertain significance. Review status: criteria provided, multiple submitters, no conflicts (2 of 4 stars). 6 submissions from 6 submitters: Uncertain significance (4). 2 of the submissions do not count toward it. Last evaluated 2026-08-31.

Conditions:
Lung cancer. Also called: Malignant tumor of lung; Lung cancer, somatic. Identifiers: MedGen C0242379, MONDO:0008903, OMIM 211980.
Autoimmune lymphoproliferative syndrome type 1. Also called: AUTOIMMUNE LYMPHOPROLIFERATIVE SYNDROME, TYPE I, AUTOSOMAL DOMINANT. Identifiers: Orphanet 3261, MedGen C2717884, MONDO:0011158, OMIM 601859.
FASLG-related disorder. Also called: FASLG-related condition.

Allele frequency attached by ClinVar (database versions not stated): TOPMed 0.00006; gnomAD exomes 0.00007; ESP Exome Variant Server 0.00008; gnomAD 0.00009 and 0.00010; ExAC 0.00005.

Submissions (6):

Ambry Genetics
Classification: Uncertain significance. Last evaluated: 2026-08-31. Review status: criteria provided, single submitter. Criteria: Ambry Variant Classification Scheme 2023. Collection method: clinical testing. Allele origin: germline.
Comment: The c.466A>G (p.R156G) alteration is located in exon 4 (coding exon 4) of the FASLG gene. This alteration results from a A to G substitution at nucleotide position 466, causing the arginine (R) at amino acid position 156 to be replaced by a glycine (G). Based on data from gnomAD, the G allele has an overall frequency of 0.007% (19/282250) total alleles studied. The highest observed frequency was 0.028% (2/7216) of Other alleles. This amino acid position is well conserved in available vertebrate species. The in silico prediction for this alteration is inconclusive. Based on insufficient or conflicting evidence, the clinical significance of this alteration remains unclear.

CeGaT Center for Human Genetics Tuebingen
Classification: Uncertain significance. Last evaluated: 2025-10-01. Review status: criteria provided, single submitter. Criteria: CeGaT Center For Human Genetics Tuebingen Variant Classification Criteria Version 2. Collection method: clinical testing. Allele origin: germline. Affected: yes. Observed: 1 variant allele.
Comment: FASLG: PM2, PS3:Supporting, BP4

Labcorp Genetics (formerly Invitae), Labcorp
Classification: Uncertain significance for Autoimmune lymphoproliferative syndrome. Last evaluated: 2024-10-21. Review status: criteria provided, single submitter. Criteria: Invitae Variant Classification Sherloc (09022015). Collection method: clinical testing. Allele origin: germline.
Comment: This sequence change replaces arginine, which is basic and polar, with glycine, which is neutral and non-polar, at codon 156 of the FASLG protein (p.Arg156Gly). This variant is present in population databases (rs80358238, gnomAD 0.01%). This missense change has been observed in individual(s) with autosomal dominant autoimmune lymphoproliferative syndrome (PMID: 17605793). ClinVar contains an entry for this variant (Variation ID: 21212). Invitae Evidence Modeling of protein sequence and biophysical properties (such as structural, functional, and spatial information, amino acid conservation, physicochemical variation, residue mobility, and thermodynamic stability) indicates that this missense variant is not expected to disrupt FASLG protein function with a negative predictive value of 80%. Experimental studies have shown that this missense change affects FASLG function (PMID: 17605793). In summary, the available evidence is currently insufficient to determine the role of this variant in disease. Therefore, it has been classified as a Variant of Uncertain Significance.

Fulgent Genetics
Classification: Uncertain significance for Lung cancer; Autoimmune lymphoproliferative syndrome type 1. Last evaluated: 2022-04-27. Review status: criteria provided, single submitter. Criteria: ACMG Guidelines, 2015. Collection method: clinical testing. Allele origin: unknown.

PreventionGenetics, part of Exact Sciences
Classification: Uncertain significance for FASLG-related condition. Last evaluated: 2024-06-19. Review status: no assertion criteria provided. Collection method: clinical testing. Allele origin: germline. Not counted in ClinVar's aggregate classification.
Comment: The FASLG c.466A>G variant is predicted to result in the amino acid substitution p.Arg156Gly. This variant was reported in the heterozygous state in an individual with autoimmune lymphoproliferative syndrome (Reported as A530G, Bi et al. 2007. PubMed ID: 17605793). Additional functional studies showed that this variant produced a protein that bound to wild-type protein, but prevented it from effectively inducing apoptosis (Bi et al. 2007. PubMed ID: 17605793; Bleesing et al. 1993. PubMed ID: 20301287). This variant is reported in 0.010% of alleles in individuals of European (Non-Finnish) descent in gnomAD. Although we suspect that this variant may be pathogenic, at this time, the clinical significance of this variant is uncertain due to the absence of conclusive functional and genetic evidence.

GeneReviews
No classification provided. Condition: Autoimmune lymphoproliferative syndrome. Review status: no classification provided. Collection method: literature only. Allele origin: germline. Not counted in ClinVar's aggregate classification.

Literature cited by the submitters: PubMed 17605793 (cited by Labcorp Genetics (formerly Invitae), Labcorp and GeneReviews).

NM_000639.3(FASLG):c.466A>G (p.Arg156Gly)

Gene: FASLG (Fas ligand; plus strand). Cytogenetic location: 1q24.3.
Variant type: single nucleotide variant.
Coding change: c.466A>G on transcript NM_000639.3 (MANE Select); coding-DNA position 466, A replaced by G.
Protein change: p.Arg156Gly; replaces arginine 156 with glycine.
Molecular consequence: missense variant. On other transcripts: 3 prime UTR variant (1).
Genome position (GRCh38, 1-based): chr1:172,665,636, A>G. VCF-style: chr1-172665636-A-G. GRCh37 (hg19) VCF-style: chr1-172634776-A-G.
Other names: c.*36A>G (NM_001302746.2); short protein forms R156G.
Identifiers: ClinVar variation 21212 (VCV000021212.17), dbSNP rs80358238, ClinGen allele CA341738.